The following is an entry in ClinVar:

NM_000038.6(APC):c.6658A>G (p.Asn2220Asp)

Gene: APC (APC regulator of Wnt signaling pathway; plus strand). Cytogenetic location: 5q22.2.
Variant type: single nucleotide variant.
Coding change: c.6658A>G on transcript NM_000038.6 (MANE Select); coding-DNA position 6658, A replaced by G.
Protein change: p.Asn2220Asp; replaces asparagine 2220 with aspartic acid.
Molecular consequence: missense variant.
Genome position (GRCh38, 1-based): chr5:112,842,252, A>G. VCF-style: chr5-112842252-A-G. GRCh37 (hg19) VCF-style: chr5-112177949-A-G.
Other names: c.6658A>G, p.Asn2220Asp (NM_001354895.2, NM_001127510.3); c.6712A>G, p.Asn2238Asp (NM_001354896.2); c.6604A>G, p.Asn2202Asp (NM_001127511.3); c.6688A>G, p.Asn2230Asp (NM_001354897.2); c.6583A>G, p.Asn2195Asp (NM_001354898.2); c.6574A>G, p.Asn2192Asp (NM_001354899.2); c.6535A>G, p.Asn2179Asp (NM_001354900.2); c.6481A>G, p.Asn2161Asp (NM_001354901.2); and 6 more; short protein forms N2202D, N2220D, N2060D, N2179D, N2195D, N1937D, N2094D, N2119D.
Identifiers: ClinVar variation 246324 (VCV000246324.37), dbSNP rs374464049, ClinGen allele CA045646.

ClinVar aggregate classification (germline): Conflicting classifications of pathogenicity. Review status: criteria provided, conflicting classifications (1 of 4 stars). 11 submissions from 11 submitters: Uncertain significance (9); Likely benign (1). 1 of the submissions does not count toward it. Last evaluated 2025-12-01.

Conditions:
Hereditary cancer-predisposing syndrome. Also called: Hereditary neoplastic syndrome; Neoplastic Syndromes, Hereditary; Tumor predisposition; Hereditary Cancer Syndrome. Identifiers: Orphanet 140162, MedGen C0027672, MeSH D009386, MONDO:0015356.
Classic or attenuated familial adenomatous polyposis. Identifiers: MedGen CN372698, MONDO:0021057.
APC-related disorder. Also called: APC-related condition.
Familial adenomatous polyposis 1 (FAP1). Also called: FAMILIAL ADENOMATOUS POLYPOSIS 1, ATTENUATED; POLYPOSIS, ADENOMATOUS INTESTINAL. Identifiers: MedGen C2713442, MONDO:0021056, OMIM 175100. Disease mechanism: loss of function.

Allele frequency attached by ClinVar (database versions not stated): gnomAD exomes below 0.00001 and 0.00002; ExAC 0.00001; gnomAD 0.00001; TOPMed 0.00001; ESP Exome Variant Server 0.00008.
gnomAD v4.1: 33 of 1,613,954 alleles (0.002%); highest among the groups gnomAD compares: Non-Finnish European, 0.0027%; no homozygotes.

Submissions (11):

Labcorp Genetics (formerly Invitae), Labcorp
Classification: Uncertain significance for Familial adenomatous polyposis 1. Last evaluated: 2025-12-01. Review status: criteria provided, single submitter. Criteria: Invitae Variant Classification Sherloc (09022015). Collection method: clinical testing. Allele origin: germline.
Comment: This sequence change replaces asparagine, which is neutral and polar, with aspartic acid, which is acidic and polar, at codon 2220 of the APC protein (p.Asn2220Asp). This variant is present in population databases (rs374464049, gnomAD 0.002%). This missense change has been observed in individual(s) with APC associated conditions (PMID: 31422818). ClinVar contains an entry for this variant (Variation ID: 246324). Invitae Evidence Modeling of protein sequence and biophysical properties (such as structural, functional, and spatial information, amino acid conservation, physicochemical variation, residue mobility, and thermodynamic stability) indicates that this missense variant is not expected to disrupt APC protein function with a negative predictive value of 95%. RNA analysis performed to evaluate the impact of this missense change on mRNA splicing indicates it does not significantly alter splicing (internal data). In summary, the available evidence is currently insufficient to determine the role of this variant in disease. Therefore, it has been classified as a Variant of Uncertain Significance.

All of Us Research Program, National Institutes of Health
Classification: Uncertain significance for Classic or attenuated familial adenomatous polyposis. Last evaluated: 2024-04-25. Review status: criteria provided, single submitter. Criteria: ACMG Guidelines, 2015. Collection method: clinical testing. Allele origin: germline. Inheritance: Autosomal dominant inheritance. Observed: 10 variant alleles, 10 heterozygotes.
Comment: This missense variant replaces asparagine with aspartic acid at codon 2220 of the APC protein. Computational prediction suggests that this variant may not impact protein structure and function (internally defined REVEL score threshold <= 0.5, PMID: 27666373). To our knowledge, functional studies have not been reported for this variant. This variant has been reported in an individual in a colorectal cancer study, however, it is not clear if the individual was affected or an unaffected control (PMID: 31422818). This variant has been identified in 2/281280 chromosomes in the general population by the Genome Aggregation Database (gnomAD). The available evidence is insufficient to determine the role of this variant in disease conclusively. Therefore, this variant is classified as a Variant of Uncertain Significance.

This study involves interpretation of variants in research participants for the purpose of population health screening. Participant phenotype was not available at the time of variant classification. Additional details can be found in publication PMID: 35346344, PMCID: PMC8962531

Color Diagnostics, LLC DBA Color Health
Classification: Uncertain significance for Hereditary cancer-predisposing syndrome. Last evaluated: 2024-04-10. Review status: criteria provided, single submitter. Criteria: ACMG Guidelines, 2015. Collection method: clinical testing. Allele origin: germline.
Comment: This missense variant replaces asparagine with aspartic acid at codon 2220 of the APC protein. Computational prediction suggests that this variant may not impact protein structure and function (internally defined REVEL score threshold <= 0.5, PMID: 27666373). To our knowledge, functional studies have not been reported for this variant. This variant has been reported in an individual in a colorectal cancer study, however, it is not clear if the individual was affected or an unaffected control (PMID: 31422818). This variant has been identified in 2/281280 chromosomes in the general population by the Genome Aggregation Database (gnomAD). The available evidence is insufficient to determine the role of this variant in disease conclusively. Therefore, this variant is classified as a Variant of Uncertain Significance.

Baylor Genetics
Classification: Uncertain significance for Familial adenomatous polyposis 1. Last evaluated: 2024-03-24. Review status: criteria provided, single submitter. Criteria: ACMG Guidelines, 2015. Collection method: clinical testing. Allele origin: unknown.

Ambry Genetics
Classification: Likely benign for Hereditary cancer-predisposing syndrome. Last evaluated: 2023-01-04. Review status: criteria provided, single submitter. Criteria: Ambry Variant Classification Scheme 2023. Collection method: clinical testing. Allele origin: germline.

Mayo Clinic Laboratories, Mayo Clinic
Classification: Uncertain significance. Last evaluated: 2021-07-06. Review status: criteria provided, single submitter. Criteria: ACMG Guidelines, 2015. Collection method: clinical testing. Allele origin: germline.

GeneDx
Classification: Uncertain significance. Last evaluated: 2020-11-09. Review status: criteria provided, single submitter. Criteria: GeneDx Variant Classification Process June 2021. Collection method: clinical testing. Allele origin: germline. Affected: yes.
Comment: Not observed at a significant frequency in large population cohorts (Lek 2016); In silico analysis supports that this missense variant does not alter protein structure/function; Observed in a colorectal cancer/polyps case-control study, but it is unclear whether it was detected in cases or controls (Gordon 2019); This variant is associated with the following publications: (PMID: 25925381, 31422818)

Quest Diagnostics Nichols Institute San Juan Capistrano
Classification: Uncertain significance. Last evaluated: 2018-08-06. Review status: criteria provided, single submitter. Criteria: Quest Diagnostics criteria. Collection method: clinical testing. Allele origin: germline.

Women's Health and Genetics/Laboratory Corporation of America, LabCorp
Classification: Uncertain significance. Last evaluated: 2017-12-04. Review status: criteria provided, single submitter. Criteria: LabCorp Variant Classification Summary - May 2015. Collection method: clinical testing. Allele origin: germline.
Comment: Variant summary: The APC c.6658A>G (p.Asn2220Asp) variant involves the alteration of a conserved nucleotide and 3/4 in silico tools predict a benign outcome for this variant (SNPsandGO not captured due to low reliability index). However, these predictions have yet to be functionally assessed. This variant was found in 3/276652 control chromosomes (gnomAD) at a frequency of 0.0000108, which does not exceed the estimated maximal expected allele frequency of a pathogenic APC variant (0.0000714). The variant of interest has not, to our knowledge, been reported in affected individuals via publications. In addition, one clinical diagnostic laboratory classified this variant as uncertain significance. Because of the absence of clinical information and the lack of functional studies, the variant is classified as a "Variant of Uncertain Significance (VUS)," until additional information becomes available.

Laboratory for Molecular Medicine, Mass General Brigham Personalized Medicine
Classification: Uncertain significance. Last evaluated: 2016-11-25. Review status: criteria provided, single submitter. Criteria: LMM Criteria. Collection method: clinical testing. Allele origin: germline. Observed: 1 variant allele.
Comment: The p.Asn2220Asp variant in APC has not been previously reported in individuals with hereditary cancer or in large population studies, but has been identified i n 1/66412 European chromosomes by the Exome Aggregation Consortium (ExAC; dbSNP rs374464049). Computational prediction tools and conservation analysis do not provide strong support for or against an impact to the protein. In summary, the clinical significance of the p.Asn2220Asp variant is uncertain.

PreventionGenetics, part of Exact Sciences
Classification: Uncertain significance for APC-related condition. Last evaluated: 2024-05-03. Review status: no assertion criteria provided. Collection method: clinical testing. Allele origin: germline. Not counted in ClinVar's aggregate classification.
Comment: The APC c.6658A>G variant is predicted to result in the amino acid substitution p.Asn2220Asp. This variant has been reported in an individual with colorectal cancer or colon polyps and classified as a variant of uncertain significance (Table S1, Gordon AS et al 2019. PubMed ID: 31422818). This variant is reported in 0.0016% of alleles in individuals of European (Non-Finnish) descent in gnomAD. A majority of submitters interpret this variant as uncertain in ClinVar. At this time, the clinical significance of this variant is uncertain due to the absence of conclusive functional and genetic evidence.

Literature cited by the submitters: PubMed 31422818 (cited by 4 submitters).